The following is an entry in ClinVar:

ClinVar aggregate classification (germline): Uncertain significance. Review status: criteria provided, multiple submitters, no conflicts (2 of 4 stars). 3 submissions from 3 submitters: Uncertain significance (2). 1 of the submissions does not count toward it. Last evaluated 2022-07-26.

Conditions:
Pilarowski-Bjornsson syndrome. Also called: DEVELOPMENTAL DELAY AND SPEECH APRAXIA WITH OR WITHOUT SEIZURES. Identifiers: Orphanet 529965, MedGen C4540131, MONDO:0060568, OMIM 617682.

Allele frequency attached by ClinVar (database versions not stated): gnomAD exomes below 0.00001; TOPMed 0.00001.
gnomAD v4.1: 6 of 1,606,438 alleles (0.00037%); highest among the groups gnomAD compares: South Asian, 0.0022%; no homozygotes.

Submissions (3):

Greenwood Genetic Center Diagnostic Laboratories, Greenwood Genetic Center
Classification: Uncertain significance. Last evaluated: 2022-07-26. Review status: criteria provided, single submitter. Criteria: ACMG Guidelines, 2015. Collection method: clinical testing. Allele origin: germline. Affected: yes.
Comment: PM2 PS4_Supporting, PP2

Blueprint Genetics
Classification: Uncertain significance. Last evaluated: 2019-11-06. Review status: criteria provided, single submitter. Criteria: ACMG Guidelines, 2015. Collection method: clinical testing. Allele origin: germline.

OMIM
Classification: Pathogenic for PILAROWSKI-BJORNSSON SYNDROME. Last evaluated: 2019-06-24. Review status: no assertion criteria provided. Collection method: literature only. Allele origin: germline. Not counted in ClinVar's aggregate classification.

Literature cited by the submitters: PubMed 28866611 (cited by OMIM).

NM_001270.4(CHD1):c.5123G>A (p.Arg1708Gln)

Gene: CHD1 (chromodomain helicase DNA binding protein 1; minus strand). Cytogenetic location: 5q15.
Variant type: single nucleotide variant.
Coding change: c.5123G>A on transcript NM_001270.4 (MANE Select); coding-DNA position 5123, G replaced by A.
Protein change: p.Arg1708Gln; replaces arginine 1708 with glutamine.
Molecular consequence: missense variant. On other transcripts: non-coding transcript variant (2).
Genome position (GRCh38, 1-based): chr5:98,856,390, C>T on the plus strand (G>A on the coding strand, the complement: CHD1 is on the minus strand). VCF-style: chr5-98856390-C-T. GRCh37 (hg19) VCF-style: chr5-98192094-C-T.
Other names: c.5387G>A, p.Arg1796Gln (NM_001364113.3); c.5123G>A, p.Arg1708Gln (NM_001376194.2); short protein forms R1708Q, R1796Q.
Identifiers: ClinVar variation 438820 (VCV000438820.7), dbSNP rs1293161341, ClinGen allele CA360514085.